The following is an entry in ClinVar:

ClinVar aggregate classification (germline): Uncertain significance (1 of 4 stars; one submission).

Conditions:
Neurofibromatosis, type 1 (NF1). Also called: NEUROFIBROMATOSIS, TYPE I, SOMATIC; VON RECKLINGHAUSEN DISEASE; Neurofibromatosis, type I; Peripheral type neurofibromatosis. Identifiers: Orphanet 636, MedGen C0027831, MONDO:0018975, OMIM 162200. Disease mechanism: loss of function.

Submission:

Labcorp Genetics (formerly Invitae), Labcorp
Classification: Uncertain significance for Neurofibromatosis, type 1. Last evaluated: 2021-06-25. Review status: criteria provided, single submitter. Criteria: Invitae Variant Classification Sherloc (09022015). Collection method: clinical testing. Allele origin: germline.
Comment: In summary, the available evidence is currently insufficient to determine the role of this variant in disease. Therefore, it has been classified as a Variant of Uncertain Significance. Algorithms developed to predict the effect of sequence changes on RNA splicing suggest that this variant may create or strengthen a splice site, but this prediction has not been confirmed by published transcriptional studies. This variant has not been reported in the literature in individuals with NF1-related conditions. This variant is not present in population databases (ExAC no frequency). This sequence change falls in intron 30 of the NF1 gene. It does not directly change the encoded amino acid sequence of the NF1 protein.

NM_001042492.3(NF1):c.4174-17_4174-16insCTTGTTTTTAGGTGGTTAGCCTAAA

Gene: NF1 (neurofibromin 1; plus strand). Cytogenetic location: 17q11.2.
Variant type: Insertion.
Coding change: c.4174-17_4174-16insCTTGTTTTTAGGTGGTTAGCCTAAA on transcript NM_001042492.3 (MANE Select); 17 bases into the intron before coding-DNA position 4174 through 16 bases into the intron before coding-DNA position 4174, CTTGTTTTTAGGTGGTTAGCCTAAA inserted.
Molecular consequence: intron variant.
Genome position: GRCh38 VCF-style: chr17-31258327-C-CCTTGTTTTTAGGTGGTTAGCCTAAA. GRCh37 (hg19) VCF-style: chr17-29585345-C-CCTTGTTTTTAGGTGGTTAGCCTAAA.
Other names: c.4111-17_4111-16insCTTGTTTTTAGGTGGTTAGCCTAAA (NM_000267.4).
Identifiers: ClinVar variation 1363978 (VCV001363978.8), dbSNP rs2151461675, ClinGen allele CA2573153565.